The following is an entry in ClinVar:

NM_015141.4(GPD1L):c.733T>G (p.Cys245Gly)

Gene: GPD1L (glycerol-3-phosphate dehydrogenase 1 like; plus strand). Cytogenetic location: 3p22.3.
Variant type: single nucleotide variant.
Coding change: c.733T>G on transcript NM_015141.4 (MANE Select); coding-DNA position 733, T replaced by G.
Protein change: p.Cys245Gly; replaces cysteine 245 with glycine.
Molecular consequence: missense variant.
Genome position (GRCh38, 1-based): chr3:32,158,990, T>G. VCF-style: chr3-32158990-T-G. GRCh37 (hg19) VCF-style: chr3-32200482-T-G.
Other names: short protein forms C245G.
Identifiers: ClinVar variation 4765001 (VCV004765001.1).

ClinVar aggregate classification (germline): Uncertain significance (1 of 4 stars; one submission).

Conditions:
Brugada syndrome. Also called: Sudden unexpected nocturnal death syndrome; Sudden unexplained nocturnal death syndrome; Sudden Unexplained Death Syndrome; Sudden Unexplained Nocturnal Death Syndrome (SUNDS). Identifiers: Orphanet 130, MedGen C1142166, MONDO:0015263.

gnomAD v4.1: 1 of 1,614,136 alleles (0.000062%); no homozygotes.

Submission:

Labcorp Genetics (formerly Invitae), Labcorp
Classification: Uncertain significance for Brugada syndrome. Last evaluated: 2025-11-06. Review status: criteria provided, single submitter. Criteria: Invitae Variant Classification Sherloc (09022015). Collection method: clinical testing. Allele origin: germline.
Comment: This sequence change replaces cysteine, which is neutral and slightly polar, with glycine, which is neutral and non-polar, at codon 245 of the GPD1L protein (p.Cys245Gly). This variant is not present in population databases (gnomAD no frequency). This variant has not been reported in the literature in individuals affected with GPD1L-related conditions. Invitae Evidence Modeling of protein sequence and biophysical properties (such as structural, functional, and spatial information, amino acid conservation, physicochemical variation, residue mobility, and thermodynamic stability) indicates that this missense variant is not expected to disrupt GPD1L protein function with a negative predictive value of 80%. In summary, the available evidence is currently insufficient to determine the role of this variant in disease. Therefore, it has been classified as a Variant of Uncertain Significance.